The following is an entry in ClinVar:

NM_002691.4(POLD1):c.1913T>G (p.Ile638Ser)

Gene: POLD1 (DNA polymerase delta 1, catalytic subunit; plus strand). Cytogenetic location: 19q13.33.
Variant type: single nucleotide variant.
Coding change: c.1913T>G on transcript NM_002691.4 (MANE Select); coding-DNA position 1913, T replaced by G.
Protein change: p.Ile638Ser; replaces isoleucine 638 with serine.
Molecular consequence: missense variant. On other transcripts: non-coding transcript variant (1).
Genome position (GRCh38, 1-based): chr19:50,409,142, T>G. VCF-style: chr19-50409142-T-G. GRCh37 (hg19) VCF-style: chr19-50912399-T-G.
Other names: c.1913T>G, p.Ile638Ser (NM_001256849.1); c.1991T>G, p.Ile664Ser (NM_001308632.1); short protein forms I638S, I664S.
Identifiers: ClinVar variation 1004463 (VCV001004463.8), dbSNP rs2039003436, ClinGen allele CA406982232.
Genomic context (GRCh38, chr19:50,409,142, plus strand): 5'-GGAGGGTGGCCGGCAGTCACCCCAACATCTTCCAACCCAGCCTGACTGAGGATCAGTTCA[T>G]CAGGACCCCCACCGGGGACGAGTTTGTGAAGACCTCAGTGCGGAAGGGGCTGCTGCCCCA-3'
Protein context (NP_002682.2, residues 628-648): QKLGLTEDQF[Ile638Ser]RTPTGDEFVK

ClinVar aggregate classification (germline): Uncertain significance (1 of 4 stars; one submission).

Conditions:
POLD1-related polyposis and colorectal cancer syndrome (CRCS10). Also called: Colorectal cancer 10; COLORECTAL CANCER, SUSCEPTIBILITY TO, ON CHROMOSOME 19q; Colorectal cancer, susceptibility to, 10. Identifiers: Orphanet 220460, MedGen C2675481, MONDO:0012953, OMIM 612591.

Submission:

Labcorp Genetics (formerly Invitae), Labcorp
Classification: Uncertain significance for POLD1-related polyposis and colorectal cancer syndrome. Last evaluated: 2020-06-08. Review status: criteria provided, single submitter. Criteria: Invitae Variant Classification Sherloc (09022015). Collection method: clinical testing. Allele origin: germline.
Comment: This sequence change replaces isoleucine with serine at codon 638 of the POLD1 protein (p.Ile638Ser). The isoleucine residue is moderately conserved and there is a large physicochemical difference between isoleucine and serine. This variant is not present in population databases (ExAC no frequency). This variant has not been reported in the literature in individuals with POLD1-related conditions. Algorithms developed to predict the effect of missense changes on protein structure and function are either unavailable or do not agree on the potential impact of this missense change (SIFT: "Deleterious"; PolyPhen-2: "Probably Damaging"; Align-GVGD: "Class C0"). In summary, the available evidence is currently insufficient to determine the role of this variant in disease. Therefore, it has been classified as a Variant of Uncertain Significance.